The following is an entry in ClinVar:

NM_001127178.3(PIGG):c.2818T>C (p.Ser940Pro)

Gene: PIGG (phosphatidylinositol glycan anchor biosynthesis class G (EMM blood group); plus strand). Cytogenetic location: 4p16.3.
Variant type: single nucleotide variant.
Coding change: c.2818T>C on transcript NM_001127178.3 (MANE Select); coding-DNA position 2818, T replaced by C.
Protein change: p.Ser940Pro; replaces serine 940 with proline.
Molecular consequence: missense variant. On other transcripts: non-coding transcript variant (10).
Genome position (GRCh38, 1-based): chr4:539,235, T>C. VCF-style: chr4-539235-T-C. GRCh37 (hg19) VCF-style: chr4-533024-T-C.
Other names: c.2551T>C, p.Ser851Pro (NM_001289051.2, NM_001345986.2); c.2419T>C, p.Ser807Pro (NM_001289052.2); c.2527T>C, p.Ser843Pro (NM_001345987.2); c.1789T>C, p.Ser597Pro (NM_001345988.2); c.1285T>C, p.Ser429Pro (NM_001345990.2, NM_001345991.2); c.1720T>C, p.Ser574Pro (NM_001345994.2); c.2794T>C, p.Ser932Pro (NM_017733.5); short protein forms S940P, S574P, S429P, S807P, S597P, S843P, S932P, S851P.
Identifiers: ClinVar variation 542894 (VCV000542894.7), dbSNP rs1553903178, ClinGen allele CA355913451.
Genomic context (GRCh38, chr4:539,235, plus strand): 5'-TGCTTCTGCTACGCACTGATTTGTTCTATTCCAGTTTTCACGTACATCGTTTTGGTGACA[T>C]CTCTGCGTTATCATTTATTTATATGGAGTGTATTTTCTCCAAAACTTCTCTACGAGGGAA-3'
Protein context (NP_001120650.1, residues 930-950): PVFTYIVLVT[Ser940Pro]LRYHLFIWSV

ClinVar aggregate classification (germline): Uncertain significance (1 of 4 stars; one submission).

Conditions:
Intellectual disability, autosomal recessive 53 (NEDHSCA). Also called: GLYCOSYLPHOSPHATIDYLINOSITOL BIOSYNTHESIS DEFECT 13; Mental retardation, autosomal recessive 53; NEURODEVELOPMENTAL DISORDER WITH OR WITHOUT HYPOTONIA, SEIZURES, AND CEREBELLAR ATROPHY. Identifiers: Orphanet 488635, MedGen C4310794, MONDO:0014832, OMIM 616917.

Submission:

Labcorp Genetics (formerly Invitae), Labcorp
Classification: Uncertain significance for Intellectual disability, autosomal recessive 53. Last evaluated: 2020-02-07. Review status: criteria provided, single submitter. Criteria: Invitae Variant Classification Sherloc (09022015). Collection method: clinical testing. Allele origin: germline.
Comment: This variant has not been reported in the literature in individuals with PIGG-related disease. In summary, the available evidence is currently insufficient to determine the role of this variant in disease. Therefore, it has been classified as a Variant of Uncertain Significance. Algorithms developed to predict the effect of missense changes on protein structure and function do not agree on the potential impact of this missense change (SIFT: "Tolerated"; PolyPhen-2: "Possibly Damaging"; Align-GVGD: "Class C0"). This variant is not present in population databases (ExAC no frequency). This sequence change replaces serine with proline at codon 940 of the PIGG protein (p.Ser940Pro). The serine residue is weakly conserved and there is a moderate physicochemical difference between serine and proline.